The following is an entry in ClinVar:

NM_144670.6(A2ML1):c.2661dup (p.Val888fs)

Gene: A2ML1 (alpha-2-macroglobulin like 1; plus strand). Cytogenetic location: 12p13.31.
Variant type: Duplication.
Coding change: c.2661dup on transcript NM_144670.6 (MANE Select); coding-DNA position 2661, one base duplicated (T; older notation c.2661dupT).
Protein change: p.Val888fs; shifts the reading frame from valine 888.
Molecular consequence: frameshift variant.
Genome position (GRCh38, 1-based): chr12:8,854,198, T duplicated; the last of 3 consecutive T bases (chr12:8,854,196-8,854,198); duplicating any one gives the same sequence. VCF-style (leftmost placement, unchanged base first): chr12-8854195-G-GT. GRCh37 (hg19) VCF-style: chr12-9006791-G-GT.
Other names: c.1188dup, p.Val397fs (NM_001282424.3); short protein forms V397fs, V888fs.
Identifiers: ClinVar variation 1392991 (VCV001392991.6), dbSNP rs1171371768, ClinGen allele CA603217806.

ClinVar aggregate classification (germline): Uncertain significance (1 of 4 stars; one submission).

Submission:

Labcorp Genetics (formerly Invitae), Labcorp
Classification: Uncertain significance. Last evaluated: 2025-03-11. Review status: criteria provided, single submitter. Criteria: Invitae Variant Classification Sherloc (09022015). Collection method: clinical testing. Allele origin: germline.
Comment: This sequence change creates a premature translational stop signal (p.Val888Cysfs*8) in the A2ML1 gene. It is expected to result in an absent or disrupted protein product. However, the current clinical and genetic evidence is not sufficient to establish whether loss-of-function variants in A2ML1 cause disease. This variant is present in population databases (no rsID available, gnomAD 0.002%). This variant has not been reported in the literature in individuals affected with A2ML1-related conditions. ClinVar contains an entry for this variant (Variation ID: 1392991). Algorithms developed to predict the effect of sequence changes on RNA splicing suggest that this variant may disrupt the consensus splice site. In summary, the available evidence is currently insufficient to determine the role of this variant in disease. Therefore, it has been classified as a Variant of Uncertain Significance.